The following is an entry in ClinVar:

ClinVar aggregate classification (germline): Uncertain significance. Review status: criteria provided, single submitter (1 of 4 stars). 2 submissions from 2 submitters: Uncertain significance (1). 1 of the submissions does not count toward it. Last evaluated 2022-08-21.

Conditions:
Zellweger spectrum disorders (ZS). Also called: Zellweger syndrome; Zellweger Spectrum Disorder; Zellweger Spectrum; Zellweger Spectrum Disorder (ZSD). Identifiers: Orphanet 912, MedGen C0043459, MONDO:0019609.
Peroxisome biogenesis disorder 5A (Zellweger) (PBD5A). Identifiers: Orphanet 912, MedGen C3553940, MONDO:0013932, OMIM 614866.

Allele frequency attached by ClinVar (database versions not stated): TOPMed below 0.00001; gnomAD 0.00001; gnomAD exomes 0.00002.
gnomAD v4.1: 29 of 1,614,022 alleles (0.0018%); highest among the groups gnomAD compares: Non-Finnish European, 0.0025%; no homozygotes.

Submissions (2):

Labcorp Genetics (formerly Invitae), Labcorp
Classification: Uncertain significance for Peroxisome biogenesis disorder 5A (Zellweger). Last evaluated: 2022-08-21. Review status: criteria provided, single submitter. Criteria: Invitae Variant Classification Sherloc (09022015). Collection method: clinical testing. Allele origin: germline.
Comment: This sequence change replaces threonine, which is neutral and polar, with isoleucine, which is neutral and non-polar, at codon 239 of the PEX2 protein (p.Thr239Ile). This variant is present in population databases (no rsID available, gnomAD 0.007%). This variant has not been reported in the literature in individuals affected with PEX2-related conditions. ClinVar contains an entry for this variant (Variation ID: 566773). Algorithms developed to predict the effect of missense changes on protein structure and function output the following: SIFT: "Tolerated"; PolyPhen-2: "Benign"; Align-GVGD: "Class C0". The isoleucine amino acid residue is found in multiple mammalian species, which suggests that this missense change does not adversely affect protein function. In summary, the available evidence is currently insufficient to determine the role of this variant in disease. Therefore, it has been classified as a Variant of Uncertain Significance.

Natera, Inc.
Classification: Uncertain significance for Zellweger syndrome. Last evaluated: 2021-02-16. Review status: no assertion criteria provided. Collection method: clinical testing. Allele origin: germline. Not counted in ClinVar's aggregate classification.

NM_000318.3(PEX2):c.716C>T (p.Thr239Ile)

Gene: PEX2 (peroxisomal biogenesis factor 2; minus strand). Cytogenetic location: 8q21.13.
Variant type: single nucleotide variant.
Coding change: c.716C>T on transcript NM_000318.3 (MANE Select); coding-DNA position 716, C replaced by T.
Protein change: p.Thr239Ile; replaces threonine 239 with isoleucine.
Molecular consequence: missense variant.
Genome position (GRCh38, 1-based): chr8:76,983,463, G>A on the plus strand (C>T on the coding strand, the complement: PEX2 is on the minus strand). VCF-style: chr8-76983463-G-A. GRCh37 (hg19) VCF-style: chr8-77895699-G-A.
Other names: c.716C>T, p.Thr239Ile (NM_001079867.2, NM_001172086.2, NM_001172087.2); short protein forms T239I.
Identifiers: ClinVar variation 566773 (VCV000566773.7), dbSNP rs1264938864, ClinGen allele CA371556735.